The following is an entry in ClinVar:

NM_001042492.3(NF1):c.1879T>A (p.Phe627Ile)

Gene: NF1 (neurofibromin 1; plus strand). Cytogenetic location: 17q11.2.
Variant type: single nucleotide variant.
Coding change: c.1879T>A on transcript NM_001042492.3 (MANE Select); coding-DNA position 1879, T replaced by A.
Protein change: p.Phe627Ile; replaces phenylalanine 627 with isoleucine.
Molecular consequence: missense variant.
Genome position (GRCh38, 1-based): chr17:31,225,128, T>A. VCF-style: chr17-31225128-T-A. GRCh37 (hg19) VCF-style: chr17-29552146-T-A.
Other names: c.1879T>A, p.Phe627Ile (NM_000267.4); short protein forms F627I.
Identifiers: ClinVar variation 945618 (VCV000945618.6), dbSNP rs2066990341, ClinGen allele CA399005143.

ClinVar aggregate classification (germline): Uncertain significance (1 of 4 stars; one submission).

Conditions:
Neurofibromatosis, type 1 (NF1). Also called: Peripheral type neurofibromatosis; Neurofibromatosis, type I; VON RECKLINGHAUSEN DISEASE; NEUROFIBROMATOSIS, TYPE I, SOMATIC. Identifiers: Orphanet 636, MedGen C0027831, MONDO:0018975, OMIM 162200. Disease mechanism: loss of function.

Submission:

Labcorp Genetics (formerly Invitae), Labcorp
Classification: Uncertain significance for Neurofibromatosis, type 1. Last evaluated: 2019-04-25. Review status: criteria provided, single submitter. Criteria: Invitae Variant Classification Sherloc (09022015). Collection method: clinical testing. Allele origin: germline.
Comment: In summary, the available evidence is currently insufficient to determine the role of this variant in disease. Therefore, it has been classified as a Variant of Uncertain Significance. Algorithms developed to predict the effect of missense changes on protein structure and function (SIFT, PolyPhen-2, Align-GVGD) all suggest that this variant is likely to be tolerated, but these predictions have not been confirmed by published functional studies and their clinical significance is uncertain. This variant has not been reported in the literature in individuals with NF1-related conditions. This variant is not present in population databases (ExAC no frequency). This sequence change replaces phenylalanine with isoleucine at codon 627 of the NF1 protein (p.Phe627Ile). The phenylalanine residue is weakly conserved and there is a small physicochemical difference between phenylalanine and isoleucine.